The following is an entry in ClinVar:

NM_001256071.3(RNF213):c.11201-6C>A

Genes: RNF213 (ring finger protein 213; plus strand), RNF213-AS1 (RNF213 antisense RNA 1; minus strand). Cytogenetic location: 17q25.3.
Variant type: single nucleotide variant.
Coding change: c.11201-6C>A on transcript NM_001256071.3 (MANE Select); 6 bases into the intron before coding-DNA position 11201, C replaced by A.
Molecular consequence: intron variant.
Genome position (GRCh38, 1-based): chr17:80,361,728, C>A. VCF-style: chr17-80361728-C-A. GRCh37 (hg19) VCF-style: chr17-78335528-C-A.
Other names: p.?.
Identifiers: ClinVar variation 712856 (VCV000712856.34), dbSNP rs112015622, ClinGen allele CA8821737.
Genomic context (GRCh38, chr17:80,361,728, plus strand): 5'-CCTGGAGGCAGGGGAGCGCCATGACTTAGACGCACTCCAGGCCGCTCCTTGGTTTCCTCT[C>A]TGCAGGACTGCCCAAGAAGTTCGTGGACATCTTTCAGCAGACTCCTCTGGGCAGGTTTCT-3'

ClinVar aggregate classification (germline): Benign/Likely benign. Review status: criteria provided, multiple submitters, no conflicts (2 of 4 stars). 4 submissions from 4 submitters: Benign (2); Likely benign (2). Last evaluated 2026-01-16.

Allele frequency attached by ClinVar (database versions not stated): gnomAD exomes 0.00024 and 0.00057; ExAC 0.00064; ESP Exome Variant Server 0.00192; gnomAD 0.00231 and 0.00241; TOPMed 0.00257; 1000 Genomes Project 30x 0.00297; 1000 Genomes Project 0.00300.
gnomAD v4.1: 740 of 1,613,068 alleles (0.046%); highest among the groups gnomAD compares: African/African-American, 0.83%; 4 homozygotes.

Submissions (6):

Labcorp Genetics (formerly Invitae), Labcorp
Classification: Benign. Last evaluated: 2026-01-16. Review status: criteria provided, single submitter. Criteria: Invitae Variant Classification Sherloc (09022015). Collection method: clinical testing. Allele origin: germline.

CeGaT Center for Human Genetics Tuebingen
Classification: Likely benign. Last evaluated: 2025-05-01. Review status: criteria provided, single submitter. Criteria: CeGaT Center For Human Genetics Tuebingen Variant Classification Criteria Version 2. Collection method: clinical testing. Allele origin: germline. Affected: yes. Observed: 2 variant alleles.
Comment: RNF213: BP4

Blueprint Genetics
Classification: Likely benign. Last evaluated: 2024-10-24. Review status: criteria provided, single submitter. Criteria: ACMG Guidelines, 2015. Collection method: clinical testing. Allele origin: germline.

Mayo Clinic Laboratories, Mayo Clinic
Classification: Benign. Last evaluated: 2024-07-23. Review status: criteria provided, single submitter. Criteria: ACMG Guidelines, 2015. Collection method: clinical testing. Allele origin: germline. Observed: 2 variant alleles.
Comment: BS1, BS2, BP4, BP7

Dr. Peter K. Rogan Lab, Western University
No classification provided (evidence only). Condition: Acute myeloid leukemia. Review status: no classification provided. Collection method: in vitro. Allele origin: not applicable. Functional consequence: retained intron. Not counted in ClinVar's aggregate classification.

Dr. Peter K. Rogan Lab, Western University
No classification provided (evidence only). Condition: Cervical cancer. Review status: no classification provided. Collection method: in vitro. Allele origin: not applicable. Functional consequence: retained intron. Not counted in ClinVar's aggregate classification.